The following is an entry in ClinVar:

ClinVar aggregate classification (germline): Benign. Review status: criteria provided, multiple submitters, no conflicts (2 of 4 stars). 3 submissions from 3 submitters: Benign (3). Last evaluated 2023-11-12.

Allele frequency attached by ClinVar (database versions not stated): 1000 Genomes Project 30x 0.22783; 1000 Genomes Project 0.22843; gnomAD 0.25581 and 0.25875; TOPMed 0.25892; gnomAD exomes 0.31620.
gnomAD v4.1: 249,805 of 819,292 alleles (30%); highest among the groups gnomAD compares: Admixed American, 48%; 41,265 homozygotes.

Submissions (3):

Unidad de Genómica Garrahan, Hospital de Pediatría Garrahan
Classification: Benign. Last evaluated: 2023-11-12. Review status: criteria provided, single submitter. Criteria: ACMG Guidelines, 2015. Collection method: clinical testing. Allele origin: germline. Affected: no. Observed: 42 variant alleles.
Comment: This variant is classified as Benign based on local population frequency. This variant was detected in 44% of patients studied by a panel of primary immunodeficiencies. Number of patients: 42. Only high quality variants are reported.

GeneDx
Classification: Benign. Last evaluated: 2018-07-02. Review status: criteria provided, single submitter. Criteria: GeneDx Variant Classification Process June 2021. Collection method: clinical testing. Allele origin: germline. Affected: yes.

Breakthrough Genomics
Classification: Benign. Review status: criteria provided, single submitter. Criteria: ACMG Guidelines, 2015. Collection method: not provided. Allele origin: germline. Inheritance: Autosomal recessive inheritance. Affected: yes.

NM_000733.4(CD3E):c.-60+49A>G

Gene: CD3E (CD3 epsilon subunit of T-cell receptor complex; plus strand). Cytogenetic location: 11q23.3.
Variant type: single nucleotide variant.
Coding change: c.-60+49A>G on transcript NM_000733.4 (MANE Select); 49 bases into the intron after 60 bases upstream of the start codon, A replaced by G.
Molecular consequence: intron variant.
Genome position (GRCh38, 1-based): chr11:118,304,825, A>G. VCF-style: chr11-118304825-A-G. GRCh37 (hg19) VCF-style: chr11-118175540-A-G.
Identifiers: ClinVar variation 1178693 (VCV001178693.5), dbSNP rs2231441, ClinGen allele CA15699653.
Genomic context (GRCh38, chr11:118,304,825, plus strand): 5'-CTTCAGAAAATGGTGAGTCTCTCTCTTATAAAGCCCTCCTTTTTCATCCTAGCATTGGGA[A>G]CAATGGCCCCAGGGTCCTTATCTCTAGCAGATGTTTTGAAAAAGTCATCTGTTTTGCTTT-3'